The following is an entry in ClinVar:

NM_001083962.2(TCF4):c.924A>C (p.Ala308=)

Gene: TCF4 (transcription factor 4; minus strand). Cytogenetic location: 18q21.2.
Variant type: single nucleotide variant.
Coding change: c.924A>C on transcript NM_001083962.2 (MANE Select); coding-DNA position 924, A replaced by C.
Protein change: p.Ala308=; no amino-acid change (alanine 308 retained).
Molecular consequence: synonymous variant.
Genome position (GRCh38, 1-based): chr18:55,261,532, T>G on the plus strand (A>C on the coding strand, the complement: TCF4 is on the minus strand). VCF-style: chr18-55261532-T-G. GRCh37 (hg19) VCF-style: chr18-52928763-T-G.
Other names: c.1230A>C, p.Ala410= (NM_001243226.3); c.852A>C, p.Ala284= (NM_001243227.2, NM_001306207.1, NM_001348217.1 and 9 more transcripts); c.942A>C, p.Ala314= (NM_001243228.2); c.918A>C, p.Ala306= (NM_001243230.2); c.798A>C, p.Ala266= (NM_001243231.2, NM_001348211.2); c.711A>C, p.Ala237= (NM_001243232.1, NM_001306208.1); c.534A>C, p.Ala178= (NM_001243233.2, NM_001330605.3, NM_001348212.2 and 1 more transcripts); c.444A>C, p.Ala148= (NM_001243234.2, NM_001243235.2, NM_001243236.2 and 2 more transcripts); and 4 more.
Identifiers: ClinVar variation 5020268 (VCV005020268.1).

ClinVar aggregate classification (germline): Uncertain significance (1 of 4 stars; one submission).

Submission:

Dasa
Classification: Uncertain significance. Last evaluated: 2026-07-03. Review status: criteria provided, single submitter. Criteria: DASA Assertion Criteria. Collection method: clinical testing. Allele origin: germline.
Comment: NM_001083962.2(TCF4):c.924A>C (p.Ala308=) is a synonymous variant predicted not to alter the encoded amino acid sequence. This variant is rare in population databases. The currently available literature and clinical evidence are not sufficient to establish a definitive association between this variant and the reported condition. Therefore, this variant is classified as a variant of uncertain significance.